The following is an entry in ClinVar:

ClinVar aggregate classification (germline): Likely benign (0 of 4 stars; one submission).

Conditions:
UGT1A1-related disorder. Also called: UGT1A1-related condition; UGT1A1-related disorders.

Allele frequency attached by ClinVar (database versions not stated): gnomAD 0.00001; TOPMed 0.00001; ExAC 0.00003.
gnomAD v4.1: 37 of 1,613,976 alleles (0.0023%); highest among the groups gnomAD compares: Middle Eastern, 0.016%; 1 homozygote.

Submission:

PreventionGenetics, part of Exact Sciences
Classification: Likely benign for UGT1A1-related condition. Last evaluated: 2021-05-19. Review status: no assertion criteria provided. Collection method: clinical testing. Allele origin: germline.
Comment: This variant is classified as likely benign based on ACMG/AMP sequence variant interpretation guidelines (Richards et al. 2015 PMID: 25741868, with internal and published modifications).

NM_000463.3(UGT1A1):c.1038G>A (p.Ala346=)

Genes: UGT1A (UDP glucuronosyltransferase family 1 member A complex locus; plus strand), UGT1A1 (UDP glucuronosyltransferase family 1 member A1; plus strand), UGT1A10 (UDP glucuronosyltransferase family 1 member A10; plus strand), UGT1A3 (UDP glucuronosyltransferase family 1 member A3; plus strand), UGT1A4 (UDP glucuronosyltransferase family 1 member A4; plus strand) and 5 more. Cytogenetic location: 2q37.1.
Variant type: single nucleotide variant.
Coding change: c.1038G>A on transcript NM_000463.3 (MANE Select); coding-DNA position 1038, G replaced by A.
Protein change: p.Ala346=; no amino-acid change (alanine 346 retained).
Molecular consequence: synonymous variant.
Genome position (GRCh38, 1-based): chr2:233,767,890, G>A. VCF-style: chr2-233767890-G-A. GRCh37 (hg19) VCF-style: chr2-234676536-G-A.
Other names: c.1029G>A, p.Ala343= (NM_019075.4, NM_019076.5, NM_019077.3 and 1 more transcripts); c.1035G>A, p.Ala345= (NM_001072.4); c.234G>A, p.Ala78= (NM_205862.3); c.1041G>A, p.Ala347= (NM_019078.2, NM_007120.3, NM_019093.4).
Identifiers: ClinVar variation 3028950 (VCV003028950.2), dbSNP rs770433443, ClinGen allele CA2179974.